The following is an entry in ClinVar:

ClinVar aggregate classification (germline): Likely benign. Review status: criteria provided, multiple submitters, no conflicts (2 of 4 stars). 3 submissions from 3 submitters: Likely benign (3). Last evaluated 2025-12-06.

Conditions:
Ehlers-Danlos syndrome, spondylodysplastic type, 3. Also called: Ehlers-Danlos syndrome, spondylocheirodysplastic type. Identifiers: Orphanet 157965, MedGen C2676510, MONDO:0012873, OMIM 612350.

Allele frequency attached by ClinVar (database versions not stated): gnomAD exomes 0.00004.
gnomAD v4.1: 95 of 1,613,198 alleles (0.0059%); highest among the groups gnomAD compares: Middle Eastern, 0.017%; no homozygotes.

Submissions (3):

Labcorp Genetics (formerly Invitae), Labcorp
Classification: Likely benign for Ehlers-Danlos syndrome, spondylodysplastic type, 3. Last evaluated: 2025-12-06. Review status: criteria provided, single submitter. Criteria: Invitae Variant Classification Sherloc (09022015). Collection method: clinical testing. Allele origin: germline.

CeGaT Center for Human Genetics Tuebingen
Classification: Likely benign. Last evaluated: 2025-10-01. Review status: criteria provided, single submitter. Criteria: CeGaT Center For Human Genetics Tuebingen Variant Classification Criteria Version 2. Collection method: clinical testing. Allele origin: germline. Affected: yes. Observed: 1 variant allele.
Comment: SLC39A13: BP4, BP7

GeneDx
Classification: Likely benign. Last evaluated: 2020-03-10. Review status: criteria provided, single submitter. Criteria: GeneDx Variant Classification Process June 2021. Collection method: clinical testing. Allele origin: germline. Affected: yes.

NM_001128225.3(SLC39A13):c.381C>T (p.Pro127=)

Gene: SLC39A13 (solute carrier family 39 member 13; plus strand). Cytogenetic location: 11p11.2.
Variant type: single nucleotide variant.
Coding change: c.381C>T on transcript NM_001128225.3 (MANE Select); coding-DNA position 381, C replaced by T.
Protein change: p.Pro127=; no amino-acid change (proline 127 retained).
Molecular consequence: synonymous variant. On other transcripts: non-coding transcript variant (1).
Genome position (GRCh38, 1-based): chr11:47,412,005, C>T. VCF-style: chr11-47412005-C-T. GRCh37 (hg19) VCF-style: chr11-47433556-C-T.
Other names: c.381C>T, p.Pro127= (NM_001330245.2, NM_152264.5).
Identifiers: ClinVar variation 1195495 (VCV001195495.11), dbSNP rs780281875, ClinGen allele CA5975749.
Genomic context (GRCh38, chr11:47,412,005, plus strand): 5'-GCAGCTGCTCAGCTTCGCCCTGGGGGGACTCTTGGGCAATGTGTTTCTGCATCTGCTGCC[C>T]GAAGCCTGGGCCTACACGTGCAGCGCCAGCCCTGGTAAGTGAGGCCACACGCCAGGGGCA-3'
Protein context (NP_001121697.2, residues 117-137): LLGNVFLHLL[Pro127=]EAWAYTCSAS